The following is an entry in ClinVar:

ClinVar aggregate classification (germline): Uncertain significance. Review status: criteria provided, multiple submitters, no conflicts (2 of 4 stars). 5 submissions from 5 submitters: Uncertain significance (5). Last evaluated 2025-05-11.

Conditions:
Hereditary cancer-predisposing syndrome. Also called: Hereditary neoplastic syndrome; Neoplastic Syndromes, Hereditary; Tumor predisposition; Hereditary Cancer Syndrome. Identifiers: Orphanet 140162, MedGen C0027672, MeSH D009386, MONDO:0015356.
Familial adenomatous polyposis 1 (FAP1). Also called: POLYPOSIS, ADENOMATOUS INTESTINAL; FAMILIAL ADENOMATOUS POLYPOSIS 1, ATTENUATED. Identifiers: MedGen C2713442, MONDO:0021056, OMIM 175100. Disease mechanism: loss of function.
Classic or attenuated familial adenomatous polyposis. Identifiers: MedGen CN372698, MONDO:0021057.

gnomAD v4.1: 20 of 1,613,932 alleles (0.0012%); highest among the groups gnomAD compares: Non-Finnish European, 0.0016%; no homozygotes.

Submissions (5):

Ambry Genetics
Classification: Uncertain significance for Hereditary cancer-predisposing syndrome. Last evaluated: 2025-05-11. Review status: criteria provided, single submitter. Criteria: Ambry Variant Classification Scheme 2023. Collection method: clinical testing. Allele origin: germline.
Comment: The p.T1689I variant (also known as c.5066C>T), located in coding exon 15 of the APC gene, results from a C to T substitution at nucleotide position 5066. The threonine at codon 1689 is replaced by isoleucine, an amino acid with similar properties. This amino acid position is conserved. In addition, in silico predictors for this gene do not accurately predict pathogenicity. Since supporting evidence is limited at this time, the clinical significance of this alteration remains unclear.

Labcorp Genetics (formerly Invitae), Labcorp
Classification: Uncertain significance for Familial adenomatous polyposis 1. Last evaluated: 2025-03-05. Review status: criteria provided, single submitter. Criteria: Invitae Variant Classification Sherloc (09022015). Collection method: clinical testing. Allele origin: germline.
Comment: This sequence change replaces threonine, which is neutral and polar, with isoleucine, which is neutral and non-polar, at codon 1689 of the APC protein (p.Thr1689Ile). This variant is present in population databases (rs551084068, gnomAD 0.0009%). This variant has not been reported in the literature in individuals affected with APC-related conditions. ClinVar contains an entry for this variant (Variation ID: 469989). Invitae Evidence Modeling of protein sequence and biophysical properties (such as structural, functional, and spatial information, amino acid conservation, physicochemical variation, residue mobility, and thermodynamic stability) indicates that this missense variant is not expected to disrupt APC protein function with a negative predictive value of 95%. In summary, the available evidence is currently insufficient to determine the role of this variant in disease. Therefore, it has been classified as a Variant of Uncertain Significance.

Department of Pathology and Laboratory Medicine, Sinai Health System
Classification: Uncertain significance for classic or attenuated familial adenomatous polyposis. Last evaluated: 2024-05-01. Review status: criteria provided, single submitter. Criteria: ACMG Guidelines, 2015. Collection method: clinical testing. Allele origin: germline. Affected: yes.

All of Us Research Program, National Institutes of Health
Classification: Uncertain significance for Classic or attenuated familial adenomatous polyposis. Last evaluated: 2024-03-24. Review status: criteria provided, single submitter. Criteria: ACMG Guidelines, 2015. Collection method: clinical testing. Allele origin: germline. Inheritance: Autosomal dominant inheritance. Observed: 2 variant alleles, 2 heterozygotes.
Comment: This missense variant replaces threonine with isoleucine at codon 1689 of the APC protein. Computational prediction suggests that this variant may not impact protein structure and function (internally defined REVEL score threshold <= 0.5, PMID: 27666373). To our knowledge, functional studies have not been reported for this variant. This variant has not been reported in individuals affected with APC-related disorders in the literature. This variant has been identified in 1/249598 chromosomes in the general population by the Genome Aggregation Database (gnomAD). The available evidence is insufficient to determine the role of this variant in disease conclusively. Therefore, this variant is classified as a Variant of Uncertain Significance.

This study involves interpretation of variants in research participants for the purpose of population health screening. Participant phenotype was not available at the time of variant classification. Additional details can be found in publication PMID: 35346344, PMCID: PMC8962531

Baylor Genetics
Classification: Uncertain significance for Familial adenomatous polyposis 1. Last evaluated: 2023-11-22. Review status: criteria provided, single submitter. Criteria: ACMG Guidelines, 2015. Collection method: clinical testing. Allele origin: unknown.

NM_000038.6(APC):c.5066C>T (p.Thr1689Ile)

Gene: APC (APC regulator of Wnt signaling pathway; plus strand). Cytogenetic location: 5q22.2.
Variant type: single nucleotide variant.
Coding change: c.5066C>T on transcript NM_000038.6 (MANE Select); coding-DNA position 5066, C replaced by T.
Protein change: p.Thr1689Ile; replaces threonine 1689 with isoleucine.
Molecular consequence: missense variant.
Genome position (GRCh38, 1-based): chr5:112,840,660, C>T. VCF-style: chr5-112840660-C-T. GRCh37 (hg19) VCF-style: chr5-112176357-C-T.
Other names: c.4217C>T, p.Thr1406Ile (NM_001354906.2); c.5066C>T, p.Thr1689Ile (NM_001127510.3, NM_001354895.2); c.5012C>T, p.Thr1671Ile (NM_001127511.3); c.5120C>T, p.Thr1707Ile (NM_001354896.2); c.5096C>T, p.Thr1699Ile (NM_001354897.2); c.4991C>T, p.Thr1664Ile (NM_001354898.2); c.4982C>T, p.Thr1661Ile (NM_001354899.2); c.4943C>T, p.Thr1648Ile (NM_001354900.2); and 5 more; short protein forms T1671I, T1689I, T1563I, T1588I, T1630I, T1529I, T1707I, T1598I.
Identifiers: ClinVar variation 469989 (VCV000469989.16), dbSNP rs551084068, ClinGen allele CA040566.